The following is an entry in ClinVar:

NM_001098511.3(KIF2A):c.1808C>T (p.Pro603Leu)

Gene: KIF2A (kinesin family member 2A; plus strand). Cytogenetic location: 5q12.1.
Variant type: single nucleotide variant.
Coding change: c.1808C>T on transcript NM_001098511.3 (MANE Select); coding-DNA position 1808, C replaced by T.
Protein change: p.Pro603Leu; replaces proline 603 with leucine.
Molecular consequence: missense variant.
Genome position (GRCh38, 1-based): chr5:62,373,734, C>T. VCF-style: chr5-62373734-C-T. GRCh37 (hg19) VCF-style: chr5-61669561-C-T.
Other names: c.1613C>T, p.Pro538Leu (NM_001243952.2); c.1637C>T, p.Pro546Leu (NM_001243953.2); c.1694C>T, p.Pro565Leu (NM_004520.5); short protein forms P538L, P603L, P546L, P565L.
Identifiers: ClinVar variation 2757449 (VCV002757449.3), dbSNP rs2531384186, ClinGen allele CA359821395.

ClinVar aggregate classification (germline): Uncertain significance (1 of 4 stars; one submission).

Allele frequency attached by ClinVar (database versions not stated): gnomAD exomes below 0.00001.

Submission:

Labcorp Genetics (formerly Invitae), Labcorp
Classification: Uncertain significance. Last evaluated: 2023-09-03. Review status: criteria provided, single submitter. Criteria: Invitae Variant Classification Sherloc (09022015). Collection method: clinical testing. Allele origin: germline.
Comment: This sequence change replaces proline, which is neutral and non-polar, with leucine, which is neutral and non-polar, at codon 603 of the KIF2A protein (p.Pro603Leu). This variant is not present in population databases (gnomAD no frequency). This variant has not been reported in the literature in individuals affected with KIF2A-related conditions. An algorithm developed to predict the effect of missense changes on protein structure and function (PolyPhen-2) suggests that this variant is likely to be tolerated. In summary, the available evidence is currently insufficient to determine the role of this variant in disease. Therefore, it has been classified as a Variant of Uncertain Significance.